The following is an entry in ClinVar:

NM_182493.3(MYLK3):c.71C>T (p.Thr24Ile)

Gene: MYLK3 (myosin light chain kinase 3; minus strand). Cytogenetic location: 16q11.2.
Variant type: single nucleotide variant.
Coding change: c.71C>T on transcript NM_182493.3 (MANE Select); coding-DNA position 71, C replaced by T.
Protein change: p.Thr24Ile; replaces threonine 24 with isoleucine.
Molecular consequence: missense variant. On other transcripts: intron variant (1).
Genome position (GRCh38, 1-based): chr16:46,748,123, G>A on the plus strand (C>T on the coding strand, the complement: MYLK3 is on the minus strand). VCF-style: chr16-46748123-G-A. GRCh37 (hg19) VCF-style: chr16-46782035-G-A.
Other names: c.-113-7976C>T (NM_001308301.1); short protein forms T24I.
Identifiers: ClinVar variation 1962354 (VCV001962354.5), dbSNP rs2548911603, ClinGen allele CA395799214.

ClinVar aggregate classification (germline): Uncertain significance (1 of 4 stars; one submission).

Submission:

Labcorp Genetics (formerly Invitae), Labcorp
Classification: Uncertain significance. Last evaluated: 2023-03-26. Review status: criteria provided, single submitter. Criteria: Invitae Variant Classification Sherloc (09022015). Collection method: clinical testing. Allele origin: germline.
Comment: ClinVar contains an entry for this variant (Variation ID: 1962354). In summary, the available evidence is currently insufficient to determine the role of this variant in disease. Therefore, it has been classified as a Variant of Uncertain Significance. An algorithm developed to predict the effect of missense changes on protein structure and function (PolyPhen-2) suggests that this variant is likely to be tolerated. This variant has not been reported in the literature in individuals affected with MYLK3-related conditions. This variant is not present in population databases (gnomAD no frequency). This sequence change replaces threonine, which is neutral and polar, with isoleucine, which is neutral and non-polar, at codon 24 of the MYLK3 protein (p.Thr24Ile).